The following is an entry in ClinVar:

NM_015215.4(CAMTA1):c.2657G>A (p.Gly886Glu)

Gene: CAMTA1 (calmodulin binding transcription activator 1; plus strand). Cytogenetic location: 1p36.23.
Variant type: single nucleotide variant.
Coding change: c.2657G>A on transcript NM_015215.4 (MANE Select); coding-DNA position 2657, G replaced by A.
Protein change: p.Gly886Glu; replaces glycine 886 with glutamic acid.
Molecular consequence: missense variant. On other transcripts: 5 prime UTR variant (6).
Genome position (GRCh38, 1-based): chr1:7,670,915, G>A. VCF-style: chr1-7670915-G-A. GRCh37 (hg19) VCF-style: chr1-7730975-G-A.
Other names: c.2567G>A, p.Gly856Glu (NM_001349608.2, NM_001349612.2); c.2657G>A, p.Gly886Glu (NM_001349609.2, NM_001349610.2); c.-272G>A (NM_001349614.1, NM_001349617.1, NM_001349620.1 and 3 more transcripts); short protein forms G856E, G886E.
Identifiers: ClinVar variation 1331604 (VCV001331604.4), dbSNP rs2149221544, ClinGen allele CA338120718.
Genomic context (GRCh38, chr1:7,670,915, plus strand): 5'-GCTGCCTCCCACAGTGGCTCACACTCCAACTCTGTTCCCCTCTCTGTTCTCTGCAGGGAG[G>A]AGTGAAGGTCCTCATCACAGGCCCGTGGCAAGAAGCCAGCAATAACTACAGCTGCCTGTT-3'
Protein context (NP_056030.1, residues 876-896): YSPEWSYPEG[Gly886Glu]VKVLITGPWQ

ClinVar aggregate classification (germline): Likely pathogenic (1 of 4 stars; one submission).

Submission:

Greenwood Genetic Center Diagnostic Laboratories, Greenwood Genetic Center
Classification: Likely pathogenic. Last evaluated: 2021-03-09. Review status: criteria provided, single submitter. Criteria: ACMG Guidelines, 2015. Collection method: clinical testing. Allele origin: germline. Affected: yes.
Comment: PS2, PM2